The following is an entry in ClinVar:

ClinVar aggregate classification (germline): Uncertain significance (1 of 4 stars; one submission).

Conditions:
Nephronophthisis. Also called: Juvenile Nephronophthisis. Identifiers: Orphanet 655, MedGen C0687120, MONDO:0019005, HP:0000090.

Allele frequency attached by ClinVar (database versions not stated): TOPMed 0.00001.
gnomAD v4.1: 2 of 1,613,900 alleles (0.00012%); highest among the groups gnomAD compares: Non-Finnish European, 0.00017%; no homozygotes.

Submission:

Labcorp Genetics (formerly Invitae), Labcorp
Classification: Uncertain significance for Nephronophthisis. Last evaluated: 2023-03-26. Review status: criteria provided, single submitter. Criteria: Invitae Variant Classification Sherloc (09022015). Collection method: clinical testing. Allele origin: germline.
Comment: In summary, the available evidence is currently insufficient to determine the role of this variant in disease. Therefore, it has been classified as a Variant of Uncertain Significance. Algorithms developed to predict the effect of missense changes on protein structure and function output the following: SIFT: "Not Available"; PolyPhen-2: "Benign"; Align-GVGD: "Not Available". The threonine amino acid residue is found in multiple mammalian species, which suggests that this missense change does not adversely affect protein function. This variant has not been reported in the literature in individuals affected with NPHP4-related conditions. This variant is not present in population databases (gnomAD no frequency). This sequence change replaces proline, which is neutral and non-polar, with threonine, which is neutral and polar, at codon 630 of the NPHP4 protein (p.Pro630Thr).

NM_015102.5(NPHP4):c.1888C>A (p.Pro630Thr)

Gene: NPHP4 (nephrocystin 4; minus strand). Cytogenetic location: 1p36.31.
Variant type: single nucleotide variant.
Coding change: c.1888C>A on transcript NM_015102.5 (MANE Select); coding-DNA position 1888, C replaced by A.
Protein change: p.Pro630Thr; replaces proline 630 with threonine.
Molecular consequence: missense variant. On other transcripts: non-coding transcript variant (1).
Genome position (GRCh38, 1-based): chr1:5,905,359, G>T on the plus strand (C>A on the coding strand, the complement: NPHP4 is on the minus strand). VCF-style: chr1-5905359-G-T. GRCh37 (hg19) VCF-style: chr1-5965419-G-T.
Other names: c.349C>A, p.Pro117Thr (NM_001291593.2); c.352C>A, p.Pro118Thr (NM_001291594.2); short protein forms P117T, P630T, P118T.
Identifiers: ClinVar variation 2849811 (VCV002849811.3), dbSNP rs996035797, ClinGen allele CA17124755.